The following is an entry in ClinVar:

ClinVar aggregate classification (germline): Uncertain significance. Review status: reviewed by expert panel (3 of 4 stars). 5 submissions from 5 submitters: Uncertain significance (1). 4 of the submissions do not count toward it. Last evaluated 2025-05-02.

Conditions:
Hereditary thrombocytopenia and hematologic cancer predisposition syndrome. Identifiers: Orphanet 71290, MedGen CN281654, MONDO:0011071.
Inborn genetic diseases. Identifiers: MedGen C0950123, MeSH D030342.
Acute myeloid leukemia (AML). Also called: Leukemia, acute myeloid, somatic; Leukemia, acute myelogenous, somatic; Acute myeloid leukemia, adult; AML adult; Acute non-lymphocytic leukemia; Acute granulocytic leukemia. Identifiers: Orphanet 519, MedGen C0023467, MeSH D015470, MONDO:0018874, OMIM 601626, HP:0004808. Disease mechanism: Constitutively activated FLT3.
Hereditary thrombocytopenia and hematological cancer predisposition syndrome associated with RUNX1. Also called: Familial thrombocytopenia with propensity to acute myelogenous leukemia; Familial Platelet Disorder with Propensity to Acute Myelogenous Leukemia; PLATELET DISORDER, ASPIRIN-LIKE; RUNX1 Familial Platelet Disorder with Associated Myeloid Malignancies. Identifiers: Orphanet 71290, MedGen C1832388, MeSH C563324, MONDO:0100083, OMIM 601399.

Allele frequency attached by ClinVar (database versions not stated): gnomAD 0.00001; TOPMed 0.00001; gnomAD exomes 0.00003; ExAC 0.00004.
gnomAD v4.1: 20 of 1,614,116 alleles (0.0012%); highest among the groups gnomAD compares: Admixed American, 0.0017%; no homozygotes.

Submissions (5):

ClinGen Myeloid Malignancy Variant Curation Expert Panel
Classification: Uncertain significance for Hereditary thrombocytopenia and hematologic cancer predisposition syndrome. Last evaluated: 2025-05-02. Review status: reviewed by expert panel. Criteria: ClinGen MyeloMalig ACMG Specifications v2. Collection method: curation. Allele origin: germline. Inheritance: Autosomal dominant inheritance.
Comment: NM_001754.5(RUNX1):c.899C>T (p.Thr300Met) is a missense variant which has a REVEL score < 0.50 (0.423) and a SpliceAI score of 0 (BP4). This variant has been observed in gnomAD v2.1 at a MAF of 0.00005274 (0.005274%, 6/113766) in the European (non-Finnish) sub-population, but does not meet any population criteria. It has not been reported in individuals with a RUNX1-defined phenotype. In summary, the clinical significance of this variant is uncertain. ACMG/AMP criteria applied, as specified by the Myeloid Malignancy Variant Curation Expert Panel for RUNX1: BP4.

Labcorp Genetics (formerly Invitae), Labcorp
Classification: Uncertain significance for Hereditary thrombocytopenia and hematological cancer predisposition syndrome associated with RUNX1. Last evaluated: 2025-01-20. Review status: criteria provided, single submitter. Criteria: Invitae Variant Classification Sherloc (09022015). Collection method: clinical testing. Allele origin: germline. Not counted in ClinVar's aggregate classification.
Comment: This sequence change replaces threonine, which is neutral and polar, with methionine, which is neutral and non-polar, at codon 300 of the RUNX1 protein (p.Thr300Met). This variant is present in population databases (rs758682659, gnomAD 0.005%). This variant has not been reported in the literature in individuals affected with RUNX1-related conditions. ClinVar contains an entry for this variant (Variation ID: 409809). Invitae Evidence Modeling of protein sequence and biophysical properties (such as structural, functional, and spatial information, amino acid conservation, physicochemical variation, residue mobility, and thermodynamic stability) has been performed for this missense variant. However, the output from this modeling did not meet the statistical confidence thresholds required to predict the impact of this variant on RUNX1 protein function. In summary, the available evidence is currently insufficient to determine the role of this variant in disease. Therefore, it has been classified as a Variant of Uncertain Significance.

Ambry Genetics
Classification: Uncertain significance for Inborn genetic diseases. Last evaluated: 2024-11-28. Review status: criteria provided, single submitter. Criteria: Ambry Variant Classification Scheme 2023. Collection method: clinical testing. Allele origin: germline. Not counted in ClinVar's aggregate classification.
Comment: The p.T300M variant (also known as c.899C>T), located in coding exon 7 of the RUNX1 gene, results from a C to T substitution at nucleotide position 899. The threonine at codon 300 is replaced by methionine, an amino acid with similar properties. This amino acid position is conserved. In addition, the in silico prediction for this alteration is inconclusive. Based on the available evidence, the clinical significance of this variant remains unclear.

GeneDx
Classification: Uncertain significance. Last evaluated: 2024-08-16. Review status: criteria provided, single submitter. Criteria: GeneDx Variant Classification Process June 2021. Collection method: clinical testing. Allele origin: germline. Affected: yes. Not counted in ClinVar's aggregate classification.
Comment: In silico analysis supports that this missense variant has a deleterious effect on protein structure/function; Has not been previously published as pathogenic or benign to our knowledge

Baylor Genetics
Classification: Uncertain significance for Acute myeloid leukemia. Last evaluated: 2024-01-26. Review status: criteria provided, single submitter. Criteria: ACMG Guidelines, 2015. Collection method: clinical testing. Allele origin: unknown. Not counted in ClinVar's aggregate classification.

NM_001754.5(RUNX1):c.899C>T (p.Thr300Met)

Gene: RUNX1 (RUNX family transcription factor 1; minus strand). Cytogenetic location: 21q22.12.
Variant type: single nucleotide variant.
Coding change: c.899C>T on transcript NM_001754.5 (MANE Select); coding-DNA position 899, C replaced by T.
Protein change: p.Thr300Met; replaces threonine 300 with methionine.
Molecular consequence: missense variant.
Genome position (GRCh38, 1-based): chr21:34,799,369, G>A on the plus strand (C>T on the coding strand, the complement: RUNX1 is on the minus strand). VCF-style: chr21-34799369-G-A. GRCh37 (hg19) VCF-style: chr21-36171666-G-A.
Other names: NM_001754.5(RUNX1):c.899C>T; p.Thr300Met; c.818C>T, p.Thr273Met (NM_001001890.3); short protein forms T300M, T273M.
Identifiers: ClinVar variation 409809 (VCV000409809.16), dbSNP rs758682659, ClinGen allele CA10014273.